The following is an entry in ClinVar:

ClinVar aggregate classification (germline): Uncertain significance (1 of 4 stars; one submission).

Conditions:
Inborn genetic diseases. Identifiers: MedGen C0950123, MeSH D030342.

Submission:

Ambry Genetics
Classification: Uncertain significance for Inborn genetic diseases. Last evaluated: 2022-12-23. Review status: criteria provided, single submitter. Criteria: Ambry Variant Classification Scheme 2023. Collection method: clinical testing. Allele origin: germline.
Comment: The p.R114L variant (also known as c.341G>T), located in coding exon 4 of the BUB1B gene, results from a G to T substitution at nucleotide position 341. The arginine at codon 114 is replaced by leucine, an amino acid with dissimilar properties. This amino acid position is conserved. In addition, the in silico prediction for this alteration is inconclusive. Since supporting evidence is limited at this time, the clinical significance of this alteration remains unclear.

NM_001211.6(BUB1B):c.341G>T (p.Arg114Leu)

Gene: BUB1B (BUB1 mitotic checkpoint serine/threonine kinase B; plus strand). Cytogenetic location: 15q15.1.
Variant type: single nucleotide variant.
Coding change: c.341G>T on transcript NM_001211.6 (MANE Select); coding-DNA position 341, G replaced by T.
Protein change: p.Arg114Leu; replaces arginine 114 with leucine.
Molecular consequence: missense variant.
Genome position (GRCh38, 1-based): chr15:40,170,638, G>T. VCF-style: chr15-40170638-G-T. GRCh37 (hg19) VCF-style: chr15-40462839-G-T.
Other names: short protein forms R114L.
Identifiers: ClinVar variation 2450818 (VCV002450818.2), dbSNP rs1372115983, ClinGen allele CA391679275.
Genomic context (GRCh38, chr15:40,170,638, plus strand): 5'-AGGAGAGTAATATGTCAACGTTATTAGAAAGAGCTGTAGAAGCACTACAAGGAGAAAAAC[G>T]ATATTATAGTGATCCTCGATTTCTCAATCTCTGGCTTAAATTAGTAAGTCTTTCTCAAGT-3'
Protein context (NP_001202.5, residues 104-124): RAVEALQGEK[Arg114Leu]YYSDPRFLNL